The following is an entry in ClinVar:

ClinVar aggregate classification (germline): Conflicting classifications of pathogenicity. Review status: criteria provided, conflicting classifications (1 of 4 stars). 3 submissions from 3 submitters: Uncertain significance (2); Likely benign (1). Last evaluated 2025-06-12.

Conditions:
MYH7B-related disorder. Also called: MYH7B-related condition.

gnomAD v4.1: 117 of 1,477,898 alleles (0.0079%); highest among the groups gnomAD compares: African/African-American, 0.13%; no homozygotes.

Submissions (3):

Labcorp Genetics (formerly Invitae), Labcorp
Classification: Uncertain significance. Last evaluated: 2025-06-12. Review status: criteria provided, single submitter. Criteria: Invitae Variant Classification Sherloc (09022015). Collection method: clinical testing. Allele origin: germline.
Comment: This sequence change replaces arginine, which is basic and polar, with histidine, which is basic and polar, at codon 1214 of the MYH7B protein (p.Arg1214His). This variant is present in population databases (rs545194217, gnomAD 0.2%), and has an allele count higher than expected for a pathogenic variant. This variant has not been reported in the literature in individuals affected with MYH7B-related conditions. ClinVar contains an entry for this variant (Variation ID: 3297529). Invitae Evidence Modeling of protein sequence and biophysical properties (such as structural, functional, and spatial information, amino acid conservation, physicochemical variation, residue mobility, and thermodynamic stability) indicates that this missense variant is expected to disrupt MYH7B protein function with a positive predictive value of 80%. In summary, the available evidence is currently insufficient to determine the role of this variant in disease. Therefore, it has been classified as a Variant of Uncertain Significance.

PreventionGenetics, part of Exact Sciences
Classification: Likely benign for MYH7B-related condition. Last evaluated: 2025-01-09. Review status: criteria provided, single submitter. Criteria: ACMG Guidelines, 2015. Collection method: clinical testing. Allele origin: germline.
Comment: This variant is classified as likely benign based on ACMG/AMP sequence variant interpretation guidelines (Richards et al. 2015 PMID: 25741868, with internal and published modifications).

Ambry Genetics
Classification: Uncertain significance. Last evaluated: 2024-04-18. Review status: criteria provided, single submitter. Criteria: Ambry Variant Classification Scheme 2023. Collection method: clinical testing. Allele origin: germline.

NM_020884.7(MYH7B):c.3515G>A (p.Arg1172His)

Gene: MYH7B (myosin heavy chain 7B; plus strand). Cytogenetic location: 20q11.22.
Variant type: single nucleotide variant.
Coding change: c.3515G>A on transcript NM_020884.7 (MANE Select); coding-DNA position 3515, G replaced by A.
Protein change: p.Arg1172His; replaces arginine 1172 with histidine.
Molecular consequence: missense variant.
Genome position (GRCh38, 1-based): chr20:34,997,408, G>A. VCF-style: chr20-34997408-G-A. GRCh37 (hg19) VCF-style: chr20-33585211-G-A.
Other names: c.3641G>A (NM_020884.4); short protein forms R1172H.
Identifiers: ClinVar variation 3297529 (VCV003297529.4).